The following is an entry in ClinVar:

ClinVar aggregate classification (germline): Uncertain significance (1 of 4 stars; one submission).

Conditions:
Saldino-Mainzer syndrome (SRTD9). Also called: short-rib thoracic dysplasia 9 with or without polydactyly; CONORENAL SYNDROME; Renal dysplasia, retinal pigmentary dystrophy, cerebellar ataxia and skeletal dysplasia; SHORT-RIB THORACIC DYSPLASIA 9 WITHOUT POLYDACTYLY. Identifiers: Orphanet 140969, MedGen C1849437, MONDO:0009964, OMIM 266920.

Allele frequency attached by ClinVar (database versions not stated): ExAC 0.00001; gnomAD 0.00001; gnomAD exomes 0.00001; TOPMed 0.00001.
gnomAD v4.1: 21 of 1,613,070 alleles (0.0013%); highest among the groups gnomAD compares: Middle Eastern, 0.017%; no homozygotes.

Submission:

Labcorp Genetics (formerly Invitae), Labcorp
Classification: Uncertain significance for Saldino-Mainzer syndrome. Last evaluated: 2024-04-29. Review status: criteria provided, single submitter. Criteria: Invitae Variant Classification Sherloc (09022015). Collection method: clinical testing. Allele origin: germline.
Comment: This sequence change replaces valine, which is neutral and non-polar, with isoleucine, which is neutral and non-polar, at codon 58 of the IFT140 protein (p.Val58Ile). This variant is present in population databases (rs779834991, gnomAD 0.005%). This variant has not been reported in the literature in individuals affected with IFT140-related conditions. ClinVar contains an entry for this variant (Variation ID: 2149380). Advanced modeling of protein sequence and biophysical properties (such as structural, functional, and spatial information, amino acid conservation, physicochemical variation, residue mobility, and thermodynamic stability) performed at Invitae indicates that this missense variant is not expected to disrupt IFT140 protein function with a negative predictive value of 95%. In summary, the available evidence is currently insufficient to determine the role of this variant in disease. Therefore, it has been classified as a Variant of Uncertain Significance.

NM_014714.4(IFT140):c.172G>A (p.Val58Ile)

Genes: IFT140 (intraflagellar transport 140; minus strand), LOC105371046 (uncharacterized LOC105371046; plus strand). Cytogenetic location: 16p13.3.
Variant type: single nucleotide variant.
Coding change: c.172G>A on transcript NM_014714.4 (MANE Select); coding-DNA position 172, G replaced by A.
Protein change: p.Val58Ile; replaces valine 58 with isoleucine.
Molecular consequence: missense variant.
Genome position (GRCh38, 1-based): chr16:1,602,567, C>T on the plus strand (G>A on the coding strand, the complement: IFT140 is on the minus strand). VCF-style: chr16-1602567-C-T. GRCh37 (hg19) VCF-style: chr16-1652568-C-T.
Other names: short protein forms V58I.
Identifiers: ClinVar variation 2149380 (VCV002149380.2), dbSNP rs779834991, ClinGen allele CA7814793.
Genomic context (GRCh38, chr16:1,602,567, plus strand): 5'-CAGCCAGCACCAGCCGCGTCGGGTGCCAGCACAGGGAAGCAACCCGGAACGGCCTCTCGA[C>T]GTGTGTATCTGGCACGCACTCCCCCTGCATTGGATGAGAGGCAAATTCCCACAGTTCAGA-3'
Protein context (NP_055529.2, residues 48-68): EQGECVPDTH[Val58Ile]ERPFRVASLC